The following is an entry in ClinVar:

ClinVar aggregate classification (germline): Uncertain significance. Review status: criteria provided, multiple submitters, no conflicts (2 of 4 stars). 2 submissions from 2 submitters: Uncertain significance (2). Last evaluated 2026-04-01.

gnomAD v4.1: 1 of 1,611,456 alleles (0.000062%); highest among the groups gnomAD compares: Non-Finnish European, 0.000085%; no homozygotes.

Submissions (2):

CeGaT Center for Human Genetics Tuebingen
Classification: Uncertain significance. Last evaluated: 2026-04-01. Review status: criteria provided, single submitter. Criteria: CeGaT Center For Human Genetics Tuebingen Variant Classification Criteria Version 2. Collection method: clinical testing. Allele origin: germline. Affected: yes. Observed: 1 variant allele.
Comment: TTN: PM2

GeneDx
Classification: Uncertain significance. Last evaluated: 2024-07-22. Review status: criteria provided, single submitter. Criteria: GeneDx Variant Classification Process June 2021. Collection method: clinical testing. Allele origin: germline. Affected: yes.
Comment: Not observed at significant frequency in large population cohorts (gnomAD); Missense variant in a gene in which most reported pathogenic variants are truncating/loss of function; Has not been previously published as pathogenic or benign to our knowledge

NM_001267550.2(TTN):c.56123T>C (p.Ile18708Thr)

Genes: TTN (titin; minus strand), TTN-AS1 (TTN antisense RNA 1; plus strand). Cytogenetic location: 2q31.2.
Variant type: single nucleotide variant.
Coding change: c.56123T>C on transcript NM_001267550.2 (MANE Select); coding-DNA position 56123, T replaced by C.
Protein change: p.Ile18708Thr; replaces isoleucine 18708 with threonine.
Molecular consequence: missense variant.
Genome position (GRCh38, 1-based): chr2:178,599,778, A>G on the plus strand (T>C on the coding strand, the complement: TTN is on the minus strand). VCF-style: chr2-178599778-A-G. GRCh37 (hg19) VCF-style: chr2-179464505-A-G.
Other names: c.51200T>C, p.Ile17067Thr (NM_001256850.1); c.28928T>C, p.Ile9643Thr (NM_003319.4); c.48419T>C, p.Ile16140Thr (NM_133378.4); c.29303T>C, p.Ile9768Thr (NM_133432.3); c.29504T>C, p.Ile9835Thr (NM_133437.4); short protein forms I16140T, I17067T, I18708T, I9643T, I9768T, I9835T.
Identifiers: ClinVar variation 3600746 (VCV003600746.3).